The following is an entry in ClinVar:

ClinVar aggregate classification (germline): Pathogenic (0 of 4 stars; one submission).

Conditions:
Alport syndrome 3b, autosomal recessive. Identifiers: MedGen C5882699, MONDO:0957811, OMIM 620536.

Submission:

Genetics laboratory, Institute of Kidney Diseases & Research Centre Dr. H.L. Trivedi Institute Of Transplantation Sciences
Classification: Pathogenic for Alport syndrome 3b, autosomal recessive. Last evaluated: 2024-03-21. Review status: no assertion criteria provided. Collection method: clinical testing. Allele origin: germline. Inheritance: Autosomal recessive inheritance. Affected: yes. Observed: 1 variant allele, 1 homozygote.
Comment: A homozygous seven base pair duplication in exon 3 of the COL4A3 gene (chr2:228104884; Depth: 57x) that results in a frameshift and premature truncation of the protein was detected. The variant has not been reported in the 1000 genomes and ExAC.

NM_000091.5(COL4A3):c.172_178dup (p.Pro60fs)

Genes: COL4A3 (collagen type IV alpha 3 chain; plus strand), MFF-DT (MFF divergent transcript; minus strand). Cytogenetic location: 2q36.3.
Variant type: Duplication.
Coding change: c.172_178dup on transcript NM_000091.5 (MANE Select); coding-DNA positions 172 to 178, 7 bases duplicated (GGTTCTC; older notation c.172_178dupGGTTCTC).
Protein change: p.Pro60fs; shifts the reading frame from proline 60.
Molecular consequence: frameshift variant.
Genome position (GRCh38, 1-based): chr2:227,240,170-227,240,176, GGTTCTC duplicated; duplicating any 7 consecutive bases within chr2:227,240,169-227,240,176 gives the same sequence; the c. name uses the placement nearest the transcript's 3' end. VCF-style (leftmost placement, unchanged base first): chr2-227240168-C-CCGGTTCT. GRCh37 (hg19) VCF-style: chr2-228104884-C-CCGGTTCT.
Other names: short protein forms P60fs.
Identifiers: ClinVar variation 3391006 (VCV003391006.2).